The following is an entry in ClinVar:

ClinVar aggregate classification (germline): Pathogenic/Likely pathogenic. Review status: criteria provided, multiple submitters, no conflicts (2 of 4 stars). 2 submissions from 2 submitters: Pathogenic (1); Likely pathogenic (1). Last evaluated 2024-09-22.

Conditions:
Joubert syndrome. Also called: CEREBELLOPARENCHYMAL DISORDER IV; JOUBERT-BOLTSHAUSER SYNDROME; Familial aplasia of the vermis. Identifiers: Orphanet 475, MedGen C5979921, MONDO:0018772.
Joubert syndrome 3 (JBTS3). Also called: AHI1-related Ciliopathy. Identifiers: Orphanet 220493, MedGen C1837713, MONDO:0012078, OMIM 608629.

Submissions (2):

Genomic Medicine Center of Excellence, King Faisal Specialist Hospital and Research Centre
Classification: Likely pathogenic for Joubert syndrome 3. Last evaluated: 2024-09-22. Review status: criteria provided, single submitter. Criteria: ACMG Guidelines, 2015. Collection method: clinical testing. Allele origin: germline.

Labcorp Genetics (formerly Invitae), Labcorp
Classification: Pathogenic for Joubert syndrome. Last evaluated: 2023-03-04. Review status: criteria provided, single submitter. Criteria: Invitae Variant Classification Sherloc (09022015). Collection method: clinical testing. Allele origin: germline.
Comment: This variant is not present in population databases (gnomAD no frequency). This variant, c.2687_2689del, results in the deletion of 1 amino acid(s) of the AHI1 protein (p.His896del), but otherwise preserves the integrity of the reading frame. This variant has been observed in individual(s) with clinical features of Joubert syndrome (PMID: 27894351). This variant disrupts a region of the AHI1 protein in which other variant(s) (p.His896Arg) have been determined to be pathogenic (PMID: 16155189, 28442542; Invitae). This suggests that this is a clinically significant region of the protein, and that variants that disrupt it are likely to be disease-causing. For these reasons, this variant has been classified as Pathogenic.

Literature cited by the submitters: PubMed 27894351 (cited by Labcorp Genetics (formerly Invitae), Labcorp); PubMed 16155189 (cited by Labcorp Genetics (formerly Invitae), Labcorp); PubMed 28442542 (cited by Labcorp Genetics (formerly Invitae), Labcorp).

NM_001134831.2(AHI1):c.2684ATC[1] (p.His896del)

Gene: AHI1 (Abelson helper integration site 1; minus strand). Cytogenetic location: 6q23.3.
Variant type: Microsatellite.
Coding change: c.2684ATC[1] on transcript NM_001134831.2 (MANE Select); one copy of the 3-base unit ATC starting at c.2684; the reference has two copies in a row; one copy, 3 bases deleted; also written c.2687_2689del.
Protein change: p.His896del; deletes histidine 896.
Molecular consequence: inframe deletion.
Genome position (GRCh38, 1-based): chr6:135,427,242-135,427,244, GAT deleted on the plus strand (ATC on the coding strand, the reverse complement: AHI1 is on the minus strand); deleting any 3 consecutive bases within chr6:135,427,242-135,427,247 gives the same sequence; the position shown is the placement nearest the transcript's 3' end. VCF-style (leftmost placement, unchanged base first): chr6-135427241-GGAT-G. GRCh37 (hg19) VCF-style: chr6-135748379-GGAT-G.
Other names: c.2687_2689del (NM_001134831.2); c.2684ATC[1], p.His896del (NM_001350503.2, NM_001350504.2, NM_017651.5 and 2 more transcripts); short protein forms H896del.
Identifiers: ClinVar variation 2734957 (VCV002734957.4), dbSNP rs2484506355, ClinGen allele CA2695207081.